The following is an entry in ClinVar:

NM_001003800.2(BICD2):c.1806G>A (p.Thr602=)

Gene: BICD2 (BICD cargo adaptor 2; minus strand). Cytogenetic location: 9q22.31.
Variant type: single nucleotide variant.
Coding change: c.1806G>A on transcript NM_001003800.2 (MANE Select); coding-DNA position 1806, G replaced by A.
Protein change: p.Thr602=; no amino-acid change (threonine 602 retained).
Molecular consequence: synonymous variant.
Genome position (GRCh38, 1-based): chr9:92,718,839, C>T on the plus strand (G>A on the coding strand, the complement: BICD2 is on the minus strand). VCF-style: chr9-92718839-C-T. GRCh37 (hg19) VCF-style: chr9-95481121-C-T.
Other names: p.Thr602=; c.1806G>A, p.Thr602= (NM_015250.4).
Identifiers: ClinVar variation 385976 (VCV000385976.42), dbSNP rs138300993, ClinGen allele CA5126475.

ClinVar aggregate classification (germline): Benign/Likely benign. Review status: criteria provided, multiple submitters, no conflicts (2 of 4 stars). 7 submissions from 7 submitters: Benign (3); Likely benign (3). 1 of the submissions does not count toward it. Last evaluated 2026-09-01.

Conditions:
Autosomal dominant childhood-onset proximal spinal muscular atrophy with contractures (SMALED2A). Also called: Spinal muscular atrophy, lower extremity-predominant, 2A, autosomal dominant; SPINAL MUSCULAR ATROPHY, LOWER EXTREMITY-PREDOMINANT, 2A, CHILDHOOD ONSET, AUTOSOMAL DOMINANT. Identifiers: Orphanet 363447, Orphanet 363454, MedGen C4747715, MONDO:0014121, OMIM 615290.
BICD2-related disorder. Also called: BICD2-related condition.
Inborn genetic diseases. Identifiers: MedGen C0950123, MeSH D030342.

Allele frequency attached by ClinVar (database versions not stated): 1000 Genomes Project 30x 0.00016; 1000 Genomes Project 0.00020; ESP Exome Variant Server 0.00077; gnomAD 0.00112 and 0.00118; TOPMed 0.00113; gnomAD exomes 0.00116 and 0.00128; ExAC 0.00138.
gnomAD v4.1: 1,887 of 1,609,478 alleles (0.12%); highest among the groups gnomAD compares: Non-Finnish European, 0.11%; 4 homozygotes.

Submissions (7):

CeGaT Center for Human Genetics Tuebingen
Classification: Likely benign. Last evaluated: 2026-09-01. Review status: criteria provided, single submitter. Criteria: CeGaT Center For Human Genetics Tuebingen Variant Classification Criteria Version 2. Collection method: clinical testing. Allele origin: germline. Affected: yes. Observed: 3 variant alleles.
Comment: BICD2: BP4, BP7

Labcorp Genetics (formerly Invitae), Labcorp
Classification: Benign for Autosomal dominant childhood-onset proximal spinal muscular atrophy with contractures. Last evaluated: 2026-01-15. Review status: criteria provided, single submitter. Criteria: Invitae Variant Classification Sherloc (09022015). Collection method: clinical testing. Allele origin: germline.

Blueprint Genetics
Classification: Likely benign. Last evaluated: 2024-11-04. Review status: criteria provided, single submitter. Criteria: ACMG Guidelines, 2015. Collection method: clinical testing. Allele origin: germline.

Mayo Clinic Laboratories, Mayo Clinic
Classification: Benign. Last evaluated: 2023-10-12. Review status: criteria provided, single submitter. Criteria: ACMG Guidelines, 2015. Collection method: clinical testing. Allele origin: germline. Observed: 6 variant alleles.
Comment: BA1, BS2, BP4, BP7

Ambry Genetics
Classification: Likely benign for Inborn genetic diseases. Last evaluated: 2019-07-11. Review status: criteria provided, single submitter. Criteria: Ambry Variant Classification Scheme 2023. Collection method: clinical testing. Allele origin: germline.

GeneDx
Classification: Benign. Last evaluated: 2019-01-04. Review status: criteria provided, single submitter. Criteria: GeneDx Variant Classification Process June 2021. Collection method: clinical testing. Allele origin: germline. Affected: yes.

PreventionGenetics, part of Exact Sciences
Classification: Benign for BICD2-related condition. Last evaluated: 2022-11-02. Review status: no assertion criteria provided. Collection method: clinical testing. Allele origin: germline. Not counted in ClinVar's aggregate classification.
Comment: This variant is classified as benign based on ACMG/AMP sequence variant interpretation guidelines (Richards et al. 2015 PMID: 25741868, with internal and published modifications).